The following is an entry in ClinVar:

NM_177438.3(DICER1):c.2550C>G (p.His850Gln)

Gene: DICER1 (dicer 1, ribonuclease III; minus strand). Cytogenetic location: 14q32.13.
Variant type: single nucleotide variant.
Coding change: c.2550C>G on transcript NM_177438.3 (MANE Select); coding-DNA position 2550, C replaced by G.
Protein change: p.His850Gln; replaces histidine 850 with glutamine.
Molecular consequence: missense variant. On other transcripts: non-coding transcript variant (6).
Genome position (GRCh38, 1-based): chr14:95,107,980, G>C on the plus strand (C>G on the coding strand, the complement: DICER1 is on the minus strand). VCF-style: chr14-95107980-G-C. GRCh37 (hg19) VCF-style: chr14-95574317-G-C.
Other names: c.2550C>G, p.His850Gln (NM_001395680.1, NM_001395681.1, NM_001395679.1 and 13 more transcripts); c.2268C>G, p.His756Gln (NM_001395686.1); c.2145C>G, p.His715Gln (NM_001395687.1, NM_001395688.1, NM_001395689.1 and 2 more transcripts); c.1983C>G, p.His661Gln (NM_001395691.1); c.867C>G, p.His289Gln (NM_001395697.1); short protein forms H289Q, H661Q, H715Q, H756Q, H850Q.
Identifiers: ClinVar variation 2151716 (VCV002151716.6), dbSNP rs2542840552, ClinGen allele CA390881746.

ClinVar aggregate classification (germline): Uncertain significance. Review status: criteria provided, multiple submitters, no conflicts (2 of 4 stars). 2 submissions from 2 submitters: Uncertain significance (2). Last evaluated 2025-10-27.

Conditions:
DICER1-related tumor predisposition. Also called: DICER1-related pleuropulmonary blastoma cancer predisposition syndrome; DICER1 syndrome. Identifiers: Orphanet 284343, MedGen C3839822, MONDO:0100216.
Hereditary cancer-predisposing syndrome. Also called: Neoplastic Syndromes, Hereditary; Hereditary neoplastic syndrome; Hereditary Cancer Syndrome; Tumor predisposition. Identifiers: Orphanet 140162, MedGen C0027672, MeSH D009386, MONDO:0015356.

Submissions (2):

Labcorp Genetics (formerly Invitae), Labcorp
Classification: Uncertain significance for DICER1-related tumor predisposition. Last evaluated: 2025-10-27. Review status: criteria provided, single submitter. Criteria: Invitae Variant Classification Sherloc (09022015). Collection method: clinical testing. Allele origin: germline.
Comment: This sequence change replaces histidine, which is basic and polar, with glutamine, which is neutral and polar, at codon 850 of the DICER1 protein (p.His850Gln). This variant is not present in population databases (gnomAD no frequency). This variant has not been reported in the literature in individuals affected with DICER1-related conditions. ClinVar contains an entry for this variant (Variation ID: 2151716). Invitae Evidence Modeling of protein sequence and biophysical properties (such as structural, functional, and spatial information, amino acid conservation, physicochemical variation, residue mobility, and thermodynamic stability) indicates that this missense variant is not expected to disrupt DICER1 protein function with a negative predictive value of 95%. In summary, the available evidence is currently insufficient to determine the role of this variant in disease. Therefore, it has been classified as a Variant of Uncertain Significance.

Ambry Genetics
Classification: Uncertain significance for Hereditary cancer-predisposing syndrome. Last evaluated: 2023-02-16. Review status: criteria provided, single submitter. Criteria: Ambry Variant Classification Scheme 2023. Collection method: clinical testing. Allele origin: germline.
Comment: The p.H850Q variant (also known as c.2550C>G), located in coding exon 15 of the DICER1 gene, results from a C to G substitution at nucleotide position 2550. The histidine at codon 850 is replaced by glutamine, an amino acid with highly similar properties. This amino acid position is conserved. In addition, this alteration is predicted to be deleterious by in silico analysis. Since supporting evidence is limited at this time, the clinical significance of this alteration remains unclear.